The following is an entry in ClinVar:

NM_199420.4(POLQ):c.1895T>C (p.Phe632Ser)

Gene: POLQ (DNA polymerase theta; minus strand). Cytogenetic location: 3q13.33.
Variant type: single nucleotide variant.
Coding change: c.1895T>C on transcript NM_199420.4 (MANE Select); coding-DNA position 1895, T replaced by C.
Protein change: p.Phe632Ser; replaces phenylalanine 632 with serine.
Molecular consequence: missense variant.
Genome position (GRCh38, 1-based): chr3:121,509,625, A>G on the plus strand (T>C on the coding strand, the complement: POLQ is on the minus strand). VCF-style: chr3-121509625-A-G. GRCh37 (hg19) VCF-style: chr3-121228472-A-G.
Other names: short protein forms F632S.
Identifiers: ClinVar variation 3229863 (VCV003229863.1), dbSNP rs2546802017, ClinGen allele CA354113583.

ClinVar aggregate classification (germline): Uncertain significance (1 of 4 stars; one submission).

gnomAD v4.1: 1 of 1,613,888 alleles (0.000062%); no homozygotes.

Submission:

Ambry Genetics
Classification: Uncertain significance. Last evaluated: 2024-02-13. Review status: criteria provided, single submitter. Criteria: Ambry Variant Classification Scheme 2023. Collection method: clinical testing. Allele origin: germline.
Comment: The p.F632S variant (also known as c.1895T>C), located in coding exon 12 of the POLQ gene, results from a T to C substitution at nucleotide position 1895. The phenylalanine at codon 632 is replaced by serine, an amino acid with highly dissimilar properties. This amino acid position is conserved. In addition, the in silico prediction for this alteration is inconclusive. Based on the available evidence, the clinical significance of this alteration remains unclear.